The following is an entry in ClinVar:

ClinVar aggregate classification (germline): Uncertain significance (1 of 4 stars; one submission).

Conditions:
Fanconi anemia (FA). Also called: Fanconi's anemia. Identifiers: Orphanet 84, MedGen C0015625, MeSH D005199, MONDO:0019391.

Allele frequency attached by ClinVar (database versions not stated): gnomAD exomes below 0.00001.
gnomAD v4.1: 1 of 1,614,140 alleles (0.000062%); highest among the groups gnomAD compares: Non-Finnish European, 0.000085%; no homozygotes.

Submission:

Labcorp Genetics (formerly Invitae), Labcorp
Classification: Uncertain significance for Fanconi anemia. Last evaluated: 2024-12-24. Review status: criteria provided, single submitter. Criteria: Invitae Variant Classification Sherloc (09022015). Collection method: clinical testing. Allele origin: germline.
Comment: This sequence change replaces alanine, which is neutral and non-polar, with threonine, which is neutral and polar, at codon 308 of the FANCC protein (p.Ala308Thr). This variant is not present in population databases (gnomAD no frequency). This variant has not been reported in the literature in individuals affected with FANCC-related conditions. ClinVar contains an entry for this variant (Variation ID: 2807053). Invitae Evidence Modeling of protein sequence and biophysical properties (such as structural, functional, and spatial information, amino acid conservation, physicochemical variation, residue mobility, and thermodynamic stability) indicates that this missense variant is not expected to disrupt FANCC protein function with a negative predictive value of 80%. In summary, the available evidence is currently insufficient to determine the role of this variant in disease. Therefore, it has been classified as a Variant of Uncertain Significance.

NM_000136.3(FANCC):c.922G>A (p.Ala308Thr)

Genes: AOPEP (aminopeptidase O (putative); plus strand), FANCC (FA complementation group C; minus strand). Cytogenetic location: 9q22.32.
Variant type: single nucleotide variant.
Coding change: c.922G>A on transcript NM_000136.3 (MANE Select); coding-DNA position 922, G replaced by A.
Protein change: p.Ala308Thr; replaces alanine 308 with threonine.
Molecular consequence: missense variant.
Genome position (GRCh38, 1-based): chr9:95,125,160, C>T on the plus strand (G>A on the coding strand, the complement: FANCC is on the minus strand). VCF-style: chr9-95125160-C-T. GRCh37 (hg19) VCF-style: chr9-97887442-C-T.
Other names: c.922G>A, p.Ala308Thr (NM_001243743.2, NM_001243744.2); short protein forms A308T.
Identifiers: ClinVar variation 2807053 (VCV002807053.3), dbSNP rs2541139244, ClinGen allele CA374108985.